The following is an entry in ClinVar:

ClinVar aggregate classification (germline): Uncertain significance (1 of 4 stars; one submission).

Allele frequency attached by ClinVar (database versions not stated): TOPMed below 0.00001; gnomAD 0.00001.
gnomAD v4.1: 1 of 1,613,954 alleles (0.000062%); highest among the groups gnomAD compares: Admixed American, 0.0017%; no homozygotes.

Submission:

Labcorp Genetics (formerly Invitae), Labcorp
Classification: Uncertain significance. Last evaluated: 2022-04-15. Review status: criteria provided, single submitter. Criteria: Invitae Variant Classification Sherloc (09022015). Collection method: clinical testing. Allele origin: germline.
Comment: In summary, the available evidence is currently insufficient to determine the role of this variant in disease. Therefore, it has been classified as a Variant of Uncertain Significance. Variants that disrupt the consensus splice site are a relatively common cause of aberrant splicing (PMID: 17576681, 9536098). Algorithms developed to predict the effect of sequence changes on RNA splicing suggest that this variant is not likely to affect RNA splicing. This variant has not been reported in the literature in individuals affected with VCAN-related conditions. This variant is present in population databases (no rsID available, gnomAD no frequency). This sequence change falls in intron 13 of the VCAN gene. It does not directly change the encoded amino acid sequence of the VCAN protein. It affects a nucleotide within the consensus splice site.

Literature cited by the submitters: PubMed 17576681; PubMed 9536098.

NM_004385.5(VCAN):c.9881-3T>C

Gene: VCAN (versican; plus strand). Cytogenetic location: 5q14.3.
Variant type: single nucleotide variant.
Coding change: c.9881-3T>C on transcript NM_004385.5 (MANE Select); 3 bases into the intron before coding-DNA position 9881, T replaced by C.
Molecular consequence: intron variant.
Genome position (GRCh38, 1-based): chr5:83,579,977, T>C. VCF-style: chr5-83579977-T-C. GRCh37 (hg19) VCF-style: chr5-82875796-T-C.
Other names: c.4619-3T>C (NM_001164098.2); c.6920-3T>C (NM_001164097.2); c.1658-3T>C (NM_001126336.3).
Identifiers: ClinVar variation 1964841 (VCV001964841.5), dbSNP rs1332093007, ClinGen allele CA561259299.